The following is an entry in ClinVar:

ClinVar aggregate classification (germline): Conflicting classifications of pathogenicity. Review status: criteria provided, conflicting classifications (1 of 4 stars). 2 submissions from 2 submitters: Uncertain significance (1); Likely benign (1). Last evaluated 2023-07-13.

Conditions:
Intellectual developmental disorder, X-linked, syndromic, Raymond type. Also called: Syndromic X-linked intellectual disability Raymond type. Identifiers: MedGen C3275406, MONDO:0010427, OMIM 300799.
Inborn genetic diseases. Identifiers: MedGen C0950123, MeSH D030342.

Allele frequency attached by ClinVar (database versions not stated): TOPMed below 0.00001; gnomAD exomes 0.00001.
gnomAD v4.1: 5 of 1,211,808 alleles (0.00041%); highest among the groups gnomAD compares: East Asian, 0.012%; no homozygotes.

Submissions (2):

Labcorp Genetics (formerly Invitae), Labcorp
Classification: Uncertain significance for Intellectual developmental disorder, X-linked, syndromic, Raymond type. Last evaluated: 2023-07-13. Review status: criteria provided, single submitter. Criteria: Invitae Variant Classification Sherloc (09022015). Collection method: clinical testing. Allele origin: germline.
Comment: This sequence change replaces glutamic acid, which is acidic and polar, with alanine, which is neutral and non-polar, at codon 345 of the ZDHHC9 protein (p.Glu345Ala). This variant is present in population databases (no rsID available, gnomAD 0.02%). This variant has not been reported in the literature in individuals affected with ZDHHC9-related conditions. An algorithm developed to predict the effect of missense changes on protein structure and function (PolyPhen-2) suggests that this variant is likely to be tolerated. In summary, the available evidence is currently insufficient to determine the role of this variant in disease. Therefore, it has been classified as a Variant of Uncertain Significance.

Ambry Genetics
Classification: Likely benign for Inborn genetic diseases. Last evaluated: 2023-06-29. Review status: criteria provided, single submitter. Criteria: Ambry Variant Classification Scheme 2023. Collection method: clinical testing. Allele origin: germline.

NM_016032.4(ZDHHC9):c.1034A>C (p.Glu345Ala)

Gene: ZDHHC9 (zDHHC palmitoyltransferase 9; minus strand). Cytogenetic location: Xq26.1.
Variant type: single nucleotide variant.
Coding change: c.1034A>C on transcript NM_016032.4 (MANE Select); coding-DNA position 1034, A replaced by C.
Protein change: p.Glu345Ala; replaces glutamic acid 345 with alanine.
Molecular consequence: missense variant.
Genome position (GRCh38, 1-based): chrX:129,806,431, T>G on the plus strand (A>C on the coding strand, the complement: ZDHHC9 is on the minus strand). VCF-style: chrX-129806431-T-G. GRCh37 (hg19) VCF-style: chrX-128940407-T-G.
Other names: c.1034A>C, p.Glu345Ala (NM_001008222.3); short protein forms E345A.
Identifiers: ClinVar variation 2607811 (VCV002607811.5), dbSNP rs1354331847, ClinGen allele CA414578372.